The following is an entry in ClinVar:

ClinVar aggregate classification (germline): Likely benign. Review status: criteria provided, multiple submitters, no conflicts (2 of 4 stars). 6 submissions from 6 submitters: Likely benign (6). Last evaluated 2025-11-12.

Conditions:
Aortic aneurysm, familial thoracic 4 (AAT4). Also called: AORTIC ANEURYSM/AORTIC DISSECTION AND PATENT DUCTUS ARTERIOSUS. Identifiers: MedGen C1851504, MONDO:0007568, OMIM 132900.
Familial thoracic aortic aneurysm and aortic dissection (TAAD). Also called: Thoracic aortic aneurysms and dissections. Identifiers: Orphanet 91387, MedGen C4707243, MONDO:0019625.

Allele frequency attached by ClinVar (database versions not stated): gnomAD 0.00002; TOPMed 0.00002; gnomAD exomes 0.00004.
gnomAD v4.1: 66 of 1,613,974 alleles (0.0041%); highest among the groups gnomAD compares: African/African-American, 0.0053%; no homozygotes.

Submissions (6):

Labcorp Genetics (formerly Invitae), Labcorp
Classification: Likely benign for Aortic aneurysm, familial thoracic 4. Last evaluated: 2025-11-12. Review status: criteria provided, single submitter. Criteria: Invitae Variant Classification Sherloc (09022015). Collection method: clinical testing. Allele origin: germline.

Women's Health and Genetics/Laboratory Corporation of America, LabCorp
Classification: Likely benign. Last evaluated: 2024-08-17. Review status: criteria provided, single submitter. Criteria: LabCorp Variant Classification Summary - May 2015. Collection method: clinical testing. Allele origin: germline.

All of Us Research Program, National Institutes of Health
Classification: Likely benign for Familial thoracic aortic aneurysm and aortic dissection. Last evaluated: 2024-05-30. Review status: criteria provided, single submitter. Criteria: ACMG Guidelines, 2015. Collection method: clinical testing. Allele origin: germline. Inheritance: Autosomal dominant inheritance. Observed: 5 variant alleles, 5 heterozygotes.
Comment: This study involves interpretation of variants in research participants for the purpose of population health screening. Participant phenotype was not available at the time of variant classification. Additional details can be found in publication PMID: 35346344, PMCID: PMC8962531

Color Diagnostics, LLC DBA Color Health
Classification: Likely benign for Familial thoracic aortic aneurysm and aortic dissection. Last evaluated: 2022-05-10. Review status: criteria provided, single submitter. Criteria: ACMG Guidelines, 2015. Collection method: clinical testing. Allele origin: germline.

Ambry Genetics
Classification: Likely benign for Familial thoracic aortic aneurysm and aortic dissection. Last evaluated: 2020-06-19. Review status: criteria provided, single submitter. Criteria: Ambry Variant Classification Scheme 2023. Collection method: clinical testing. Allele origin: germline.

GeneDx
Classification: Likely benign. Last evaluated: 2019-12-02. Review status: criteria provided, single submitter. Criteria: GeneDx Variant Classification Process June 2021. Collection method: clinical testing. Allele origin: germline. Affected: yes.

NM_002474.3(MYH11):c.45T>C (p.Phe15=)

Gene: MYH11 (myosin heavy chain 11; minus strand). Cytogenetic location: 16p13.11.
Variant type: single nucleotide variant.
Coding change: c.45T>C on transcript NM_002474.3 (MANE Select); coding-DNA position 45, T replaced by C.
Protein change: p.Phe15=; no amino-acid change (phenylalanine 15 retained).
Molecular consequence: synonymous variant.
Genome position (GRCh38, 1-based): chr16:15,838,208, A>G on the plus strand (T>C on the coding strand, the complement: MYH11 is on the minus strand). VCF-style: chr16-15838208-A-G. GRCh37 (hg19) VCF-style: chr16-15932065-A-G.
Other names: c.45T>C, p.Phe15= (NM_001040113.2, NM_001040114.2, NM_022844.3).
Identifiers: ClinVar variation 1269791 (VCV001269791.15), dbSNP rs1042574548, ClinGen allele CA278998954.